The following is an entry in ClinVar:

NM_001010874.5(TECRL):c.353A>T (p.Tyr118Phe)

Gene: TECRL (trans-2,3-enoyl-CoA reductase like; minus strand). Cytogenetic location: 4q13.1.
Variant type: single nucleotide variant.
Coding change: c.353A>T on transcript NM_001010874.5 (MANE Select); coding-DNA position 353, A replaced by T.
Protein change: p.Tyr118Phe; replaces tyrosine 118 with phenylalanine.
Molecular consequence: missense variant.
Genome position (GRCh38, 1-based): chr4:64,322,771, T>A on the plus strand (A>T on the coding strand, the complement: TECRL is on the minus strand). VCF-style: chr4-64322771-T-A. GRCh37 (hg19) VCF-style: chr4-65188489-T-A.
Other names: c.353A>T, p.Tyr118Phe (NM_001363796.1); short protein forms Y118F.
Identifiers: ClinVar variation 4182149 (VCV004182149.1).

ClinVar aggregate classification (germline): Uncertain significance (1 of 4 stars; one submission).

Conditions:
Cardiovascular phenotype. Identifiers: MedGen CN230736.

gnomAD v4.1: 1 of 1,607,104 alleles (0.000062%); highest among the groups gnomAD compares: South Asian, 0.0011%; no homozygotes.

Submission:

Ambry Genetics
Classification: Uncertain significance for Cardiovascular phenotype. Last evaluated: 2025-07-13. Review status: criteria provided, single submitter. Criteria: Ambry Variant Classification Scheme 2023. Collection method: clinical testing. Allele origin: germline.
Comment: The p.Y118F variant (also known as c.353A>T), located in coding exon 4 of the TECRL gene, results from an A to T substitution at nucleotide position 353. The tyrosine at codon 118 is replaced by phenylalanine, an amino acid with highly similar properties. This amino acid position is conserved. In addition, this alteration is predicted to be tolerated by in silico analysis. Based on the available evidence, the clinical significance of this variant remains unclear.